The following is an entry in ClinVar:

ClinVar aggregate classification (germline): Uncertain significance (1 of 4 stars; one submission).

Conditions:
Mitochondrial hypertrophic cardiomyopathy with lactic acidosis due to MTO1 deficiency. Also called: CARDIOMYOPATHY, INFANTILE HYPERTROPHIC MITOCHONDRIAL, AND LACTIC ACIDOSIS; Combined oxidative phosphorylation deficiency 10. Identifiers: Orphanet 314637, MedGen C4749921, MONDO:0013865, OMIM 614702.

Allele frequency attached by ClinVar (database versions not stated): gnomAD exomes below 0.00001; TOPMed below 0.00001; gnomAD 0.00001.
gnomAD v4.1: 4 of 1,609,582 alleles (0.00025%); highest among the groups gnomAD compares: Non-Finnish European, 0.00034%; no homozygotes.

Submission:

Labcorp Genetics (formerly Invitae), Labcorp
Classification: Uncertain significance for Mitochondrial hypertrophic cardiomyopathy with lactic acidosis due to MTO1 deficiency. Last evaluated: 2022-07-26. Review status: criteria provided, single submitter. Criteria: Invitae Variant Classification Sherloc (09022015). Collection method: clinical testing. Allele origin: germline.
Comment: In summary, the available evidence is currently insufficient to determine the role of this variant in disease. Therefore, it has been classified as a Variant of Uncertain Significance. Algorithms developed to predict the effect of missense changes on protein structure and function output the following: SIFT: "Tolerated"; PolyPhen-2: "Benign"; Align-GVGD: "Class C0". The arginine amino acid residue is found in multiple mammalian species, which suggests that this missense change does not adversely affect protein function. ClinVar contains an entry for this variant (Variation ID: 540424). This variant has not been reported in the literature in individuals affected with MTO1-related conditions. This variant is present in population databases (no rsID available, gnomAD 0.0009%). This sequence change replaces glutamine, which is neutral and polar, with arginine, which is basic and polar, at codon 679 of the MTO1 protein (p.Gln679Arg).

NM_012123.4(MTO1):c.2036A>G (p.Gln679Arg)

Gene: MTO1 (mitochondrial tRNA translation optimization 1; plus strand). Cytogenetic location: 6q13.
Variant type: single nucleotide variant.
Coding change: c.2036A>G on transcript NM_012123.4 (MANE Select); coding-DNA position 2036, A replaced by G.
Protein change: p.Gln679Arg; replaces glutamine 679 with arginine.
Molecular consequence: missense variant.
Genome position (GRCh38, 1-based): chr6:73,500,692, A>G. VCF-style: chr6-73500692-A-G. GRCh37 (hg19) VCF-style: chr6-74210415-A-G.
Other names: c.2156A>G, p.Gln719Arg (NM_001123226.2); c.2111A>G, p.Gln704Arg (NM_133645.3); short protein forms Q704R, Q679R, Q719R.
Identifiers: ClinVar variation 540424 (VCV000540424.6), dbSNP rs1418465267, ClinGen allele CA364702126.